The following is an entry in ClinVar:

NM_001099402.2(CCNK):c.1359C>T (p.Thr453=)

Genes: CCDC85C (coiled-coil domain containing 85C; minus strand), CCNK (cyclin K; plus strand). Cytogenetic location: 14q32.2.
Variant type: single nucleotide variant.
Coding change: c.1359C>T on transcript NM_001099402.2 (MANE Select); coding-DNA position 1359, C replaced by T.
Protein change: p.Thr453=; no amino-acid change (threonine 453 retained).
Molecular consequence: synonymous variant. On other transcripts: 3 prime UTR variant (1).
Genome position (GRCh38, 1-based): chr14:99,510,398, C>T. VCF-style: chr14-99510398-C-T. GRCh37 (hg19) VCF-style: chr14-99976735-C-T.
Other names: c.*4848G>A (NM_001144995.2).
Identifiers: ClinVar variation 3046919 (VCV003046919.2), dbSNP rs751959442, ClinGen allele CA7340871.

ClinVar aggregate classification (germline): Likely benign (0 of 4 stars; one submission).

Conditions:
CCNK-related disorder. Also called: CCNK-related condition.

Allele frequency attached by ClinVar (database versions not stated): gnomAD 0.00001; TOPMed 0.00001.
gnomAD v4.1: 23 of 1,564,192 alleles (0.0015%); highest among the groups gnomAD compares: Middle Eastern, 0.22%; 1 homozygote.

Submission:

PreventionGenetics, part of Exact Sciences
Classification: Likely benign for CCNK-related condition. Last evaluated: 2019-04-26. Review status: no assertion criteria provided. Collection method: clinical testing. Allele origin: germline.
Comment: This variant is classified as likely benign based on ACMG/AMP sequence variant interpretation guidelines (Richards et al. 2015 PMID: 25741868, with internal and published modifications).